The following is an entry in ClinVar:

NM_001365902.3(NFIX):c.1457G>A (p.Arg486Gln)

Gene: NFIX (nuclear factor I X; plus strand). Cytogenetic location: 19p13.13.
Variant type: single nucleotide variant.
Coding change: c.1457G>A on transcript NM_001365902.3 (MANE Select); coding-DNA position 1457, G replaced by A.
Protein change: p.Arg486Gln; replaces arginine 486 with glutamine.
Molecular consequence: missense variant.
Genome position (GRCh38, 1-based): chr19:13,090,353, G>A. VCF-style: chr19-13090353-G-A. GRCh37 (hg19) VCF-style: chr19-13201167-G-A.
Other names: c.1481G>A, p.Arg494Gln (NM_001271043.2); c.1285G>A, p.Gly429Arg (NM_001271044.3); c.1186G>A, p.Gly396Arg (NM_001365982.2); c.1168G>A, p.Gly390Arg (NM_001365983.2); c.1454G>A, p.Arg485Gln (NM_001365984.2); c.1306G>A, p.Gly436Arg (NM_001365985.2); c.1433G>A, p.Arg478Gln (NM_001378404.1); c.1505G>A, p.Arg502Gln (NM_001378405.1); and 1 more; short protein forms G390R, G396R, G429R, G436R, G437R, R478Q, R485Q, R486Q.
Identifiers: ClinVar variation 3057751 (VCV003057751.2), dbSNP rs762961540, ClinGen allele CA9237189.

ClinVar aggregate classification (germline): Uncertain significance (0 of 4 stars; one submission).

Conditions:
NFIX-related disorder. Also called: NFIX-related condition.

Allele frequency attached by ClinVar (database versions not stated): TOPMed below 0.00001; ExAC 0.00001; gnomAD exomes 0.00001.
gnomAD v4.1: 11 of 1,613,920 alleles (0.00068%); highest among the groups gnomAD compares: Admixed American, 0.0017%; no homozygotes.

Submission:

PreventionGenetics, part of Exact Sciences
Classification: Uncertain significance for NFIX-related condition. Last evaluated: 2023-12-07. Review status: no assertion criteria provided. Collection method: clinical testing. Allele origin: germline.
Comment: The NFIX c.1309G>A variant is predicted to result in the amino acid substitution p.Gly437Arg. This variant is alternatively referred to as c.1481G>A (p.Arg494Gln) in an alternate transcript (NM_001271043.2). To our knowledge, this variant has not been reported in the literature. This variant is reported in 0.0029% of alleles in individuals of Latino descent in gnomAD. At this time, the clinical significance of this variant is uncertain due to the absence of conclusive functional and genetic evidence.